The following is an entry in ClinVar:

ClinVar aggregate classification (germline): Uncertain significance. Review status: criteria provided, multiple submitters, no conflicts (2 of 4 stars). 2 submissions from 2 submitters: Uncertain significance (2). Last evaluated 2024-12-23.

Conditions:
Inborn genetic diseases. Identifiers: MedGen C0950123, MeSH D030342.

Allele frequency attached by ClinVar (database versions not stated): gnomAD 0.00001 and 0.00002; gnomAD exomes 0.00001 and 0.00002; ExAC 0.00002; TOPMed 0.00002; 1000 Genomes Project 30x 0.00016; 1000 Genomes Project 0.00020.
gnomAD v4.1: 31 of 1,614,120 alleles (0.0019%); highest among the groups gnomAD compares: South Asian, 0.0077%; no homozygotes.

Submissions (2):

Ambry Genetics
Classification: Uncertain significance for Inborn genetic diseases. Last evaluated: 2024-12-23. Review status: criteria provided, single submitter. Criteria: Ambry Variant Classification Scheme 2023. Collection method: clinical testing. Allele origin: germline.

Labcorp Genetics (formerly Invitae), Labcorp
Classification: Uncertain significance. Last evaluated: 2021-11-21. Review status: criteria provided, single submitter. Criteria: Invitae Variant Classification Sherloc (09022015). Collection method: clinical testing. Allele origin: germline.
Comment: This sequence change replaces arginine, which is basic and polar, with glutamine, which is neutral and polar, at codon 1047 of the TUBGCP6 protein (p.Arg1047Gln). This variant is present in population databases (rs200828203, gnomAD 0.006%). This variant has not been reported in the literature in individuals affected with TUBGCP6-related conditions. Algorithms developed to predict the effect of missense changes on protein structure and function output the following: SIFT: "Tolerated"; PolyPhen-2: "Benign"; Align-GVGD: "Class C0". The glutamine amino acid residue is found in multiple mammalian species, which suggests that this missense change does not adversely affect protein function. In summary, the available evidence is currently insufficient to determine the role of this variant in disease. Therefore, it has been classified as a Variant of Uncertain Significance.

NM_020461.4(TUBGCP6):c.3140G>A (p.Arg1047Gln)

Gene: TUBGCP6 (tubulin gamma complex component 6; minus strand). Cytogenetic location: 22q13.33.
Variant type: single nucleotide variant.
Coding change: c.3140G>A on transcript NM_020461.4 (MANE Select); coding-DNA position 3140, G replaced by A.
Protein change: p.Arg1047Gln; replaces arginine 1047 with glutamine.
Molecular consequence: missense variant.
Genome position (GRCh38, 1-based): chr22:50,221,219, C>T on the plus strand (G>A on the coding strand, the complement: TUBGCP6 is on the minus strand). VCF-style: chr22-50221219-C-T. GRCh37 (hg19) VCF-style: chr22-50659648-C-T.
Other names: c.3140G>A (NM_020461.3); short protein forms R1047Q.
Identifiers: ClinVar variation 1471655 (VCV001471655.4), dbSNP rs200828203, ClinGen allele CA10308044.